The following is an entry in ClinVar:

NC_000017.10:g.(?_1670205)_(1675389_?)del

Gene: SERPINF1 (serpin family F member 1; plus strand). Cytogenetic location: 17p13.3.
Variant type: Deletion.
Identifiers: ClinVar variation 3243154 (VCV003243154.1).

ClinVar aggregate classification (germline): Pathogenic (1 of 4 stars; one submission).

Submission:

Labcorp Genetics (formerly Invitae), Labcorp
Classification: Pathogenic. Last evaluated: 2022-12-21. Review status: criteria provided, single submitter. Criteria: Invitae Variant Classification Sherloc (09022015). Collection method: clinical testing. Allele origin: unknown.
Comment: For these reasons, this variant has been classified as Pathogenic. This variant has not been reported in the literature in individuals affected with SERPINF1-related conditions. This variant is a gross deletion of the genomic region encompassing exon(s) 2-5 of the SERPINF1 gene, which includes the initiator codon. This deletion extends beyond the assayed region for this gene and therefore may encompass additional genes. It is expected to result in an absent or disrupted protein product. Loss-of-function variants in SERPINF1 are known to be pathogenic (PMID: 21353196, 21826736).

Literature cited by the submitters: PubMed 21353196; PubMed 21826736.